The following is an entry in ClinVar:

NM_000520.6(HEXA):c.1168del (p.Gln390fs)

Gene: HEXA (hexosaminidase subunit alpha; minus strand). Cytogenetic location: 15q23.
Variant type: Deletion.
Coding change: c.1168del on transcript NM_000520.6 (MANE Select); coding-DNA position 1168, one base deleted (C; older notation c.1168delC).
Protein change: p.Gln390fs; shifts the reading frame from glutamine 390.
Molecular consequence: frameshift variant.
Genome position (GRCh38, 1-based): chr15:72,346,689, G deleted on the plus strand (C on the coding strand, the reverse complement: HEXA is on the minus strand). VCF-style (leftmost placement, unchanged base first): chr15-72346688-TG-T. GRCh37 (hg19) VCF-style: chr15-72639029-TG-T.
Other names: c.1168delC (NM_000520.5); c.1201del, p.Gln401fs (NM_001318825.2); short protein forms Q390fs, Q401fs.
Identifiers: ClinVar variation 1453891 (VCV001453891.7), dbSNP rs772879726, ClinGen allele CA7644766.
Genomic context (GRCh38, chr15:72,346,688, plus strand): 5'-GCCTTGGTGACCAGTTCCAGCTCCTTCATATAGTTCACTGGAATATCCTCTCGCCACACC[TG>T]TATGATTGTGTCTGGCTGAATCTGTTATAAAAGGTCAAATGGCAGTAAGGACACAAAGCT-3'

ClinVar aggregate classification (germline): Pathogenic/Likely pathogenic. Review status: criteria provided, multiple submitters, no conflicts (2 of 4 stars). 2 submissions from 2 submitters: Pathogenic (1); Likely pathogenic (1). Last evaluated 2025-10-23.

Conditions:
Tay-Sachs disease (TSD). Also called: HEXA DEFICIENCY; GM2 gangliosidosis, type 1; Hexosaminidase alpha-subunit deficiency (variant B); Sphingolipidosis, Tay-Sachs; HEXA Disorders; Hexosaminidase A Deficiency. Identifiers: Orphanet 845, MedGen C0039373, MONDO:0010100, OMIM 272800.

Allele frequency attached by ClinVar (database versions not stated): ExAC 0.00001; gnomAD 0.00001; TOPMed 0.00002; gnomAD exomes below 0.00001.

Submissions (2):

Natera, Inc.
Classification: Likely pathogenic for Tay-Sachs disease. Last evaluated: 2025-10-23. Review status: criteria provided, single submitter. Criteria: Natera Variant Classification Schema (03/2026). Collection method: clinical testing. Allele origin: germline.
Comment: The c.1168delC variant in HEXA is a frameshift variant predicted to shift the reading frame beginning at codon 390 and leads to a stop codon 9 codons downstream. This variant is expected to result in nonsense mediated decay, truncation, or a dysfunctional protein product. This variant is rare in the general population with a frequency below the threshold expected for the associated phenotype(s). Given the available evidence, this variant is classified as Likely Pathogenic.

Labcorp Genetics (formerly Invitae), Labcorp
Classification: Pathogenic for Tay-Sachs disease. Last evaluated: 2024-07-19. Review status: criteria provided, single submitter. Criteria: Invitae Variant Classification Sherloc (09022015). Collection method: clinical testing. Allele origin: germline.
Comment: This sequence change creates a premature translational stop signal (p.Gln390Argfs*9) in the HEXA gene. It is expected to result in an absent or disrupted protein product. Loss-of-function variants in HEXA are known to be pathogenic (PMID: 1833974, 8490625). This variant is present in population databases (rs772879726, gnomAD 0.007%). This variant has not been reported in the literature in individuals affected with HEXA-related conditions. ClinVar contains an entry for this variant (Variation ID: 1453891). For these reasons, this variant has been classified as Pathogenic.

Literature cited by the submitters: PubMed 1833974 (cited by Labcorp Genetics (formerly Invitae), Labcorp); PubMed 8490625 (cited by Labcorp Genetics (formerly Invitae), Labcorp).